The following is an entry in ClinVar:

ClinVar aggregate classification (germline): Uncertain significance. Review status: criteria provided, multiple submitters, no conflicts (2 of 4 stars). 2 submissions from 2 submitters: Uncertain significance (2). Last evaluated 2025-11-13.

Conditions:
Primary ciliary dyskinesia. Also called: Ciliary dyskinesia. Identifiers: Orphanet 244, MedGen C0008780, MONDO:0016575, HP:0012265.

Allele frequency attached by ClinVar (database versions not stated): TOPMed 0.00001.
gnomAD v4.1: 21 of 1,613,728 alleles (0.0013%); highest among the groups gnomAD compares: East Asian, 0.036%; no homozygotes.

Submissions (2):

Ambry Genetics
Classification: Uncertain significance. Last evaluated: 2025-11-13. Review status: criteria provided, single submitter. Criteria: Ambry Variant Classification Scheme 2023. Collection method: clinical testing. Allele origin: germline.

Labcorp Genetics (formerly Invitae), Labcorp
Classification: Uncertain significance for Primary ciliary dyskinesia. Last evaluated: 2025-08-01. Review status: criteria provided, single submitter. Criteria: Invitae Variant Classification Sherloc (09022015). Collection method: clinical testing. Allele origin: germline.
Comment: This sequence change replaces leucine, which is neutral and non-polar, with valine, which is neutral and non-polar, at codon 940 of the DNAH8 protein (p.Leu940Val). This variant is present in population databases (rs200401493, gnomAD 0.08%). This variant has not been reported in the literature in individuals affected with DNAH8-related conditions. ClinVar contains an entry for this variant (Variation ID: 2085959). Experimental studies and prediction algorithms are not available or were not evaluated, and the functional significance of this variant is currently unknown. In summary, the available evidence is currently insufficient to determine the role of this variant in disease. Therefore, it has been classified as a Variant of Uncertain Significance.

NM_001206927.2(DNAH8):c.2818C>G (p.Leu940Val)

Gene: DNAH8 (dynein axonemal heavy chain 8; plus strand). Cytogenetic location: 6p21.2.
Variant type: single nucleotide variant.
Coding change: c.2818C>G on transcript NM_001206927.2 (MANE Select); coding-DNA position 2818, C replaced by G.
Protein change: p.Leu940Val; replaces leucine 940 with valine.
Molecular consequence: missense variant.
Genome position (GRCh38, 1-based): chr6:38,791,591, C>G. VCF-style: chr6-38791591-C-G. GRCh37 (hg19) VCF-style: chr6-38759367-C-G.
Other names: c.2818C>G (NM_001206927.1); c.2167C>G, p.Leu723Val (NM_001371.4); short protein forms L723V, L940V.
Identifiers: ClinVar variation 2085959 (VCV002085959.4), dbSNP rs200401493, ClinGen allele CA3788637.